The following is an entry in ClinVar:

ClinVar aggregate classification (germline): Pathogenic (1 of 4 stars; one submission).

Submission:

GeneDx
Classification: Pathogenic. Last evaluated: 2025-02-25. Review status: criteria provided, single submitter. Criteria: GeneDx Variant Classification Process June 2021. Collection method: clinical testing. Allele origin: germline. Affected: yes.
Comment: Frameshift variant predicted to result in protein truncation or nonsense mediated decay in a gene for which loss-of-function is a known mechanism of disease; Not observed at significant frequency in large population cohorts (gnomAD); Has not been previously published as pathogenic or benign to our knowledge

NM_001356.5(DDX3X):c.1573del (p.Tyr525fs)

Gene: DDX3X (DEAD-box helicase 3 X-linked; plus strand). Cytogenetic location: Xp11.4.
Variant type: Deletion.
Coding change: c.1573del on transcript NM_001356.5 (MANE Select); coding-DNA position 1573, one base deleted (T; older notation c.1573delT).
Protein change: p.Tyr525fs; shifts the reading frame from tyrosine 525.
Molecular consequence: frameshift variant. On other transcripts: non-coding transcript variant (1).
Genome position (GRCh38, 1-based): chrX:41,346,580, T deleted. VCF-style (leftmost placement, unchanged base first): chrX-41346579-AT-A. GRCh37 (hg19) VCF-style: chrX-41205832-AT-A.
Other names: c.1573del, p.Tyr525fs (NM_001193416.3); c.1525del, p.Tyr509fs (NM_001193417.3); c.1015del, p.Tyr339fs (NM_001363819.1); short protein forms Y339fs, Y509fs, Y525fs.
Identifiers: ClinVar variation 4076600 (VCV004076600.1).